The following is an entry in ClinVar:

ClinVar aggregate classification (germline): Conflicting classifications of pathogenicity. Review status: criteria provided, conflicting classifications (1 of 4 stars). 2 submissions from 2 submitters: Uncertain significance (1); Likely benign (1). Last evaluated 2024-02-03.

Conditions:
Hereditary cancer-predisposing syndrome. Also called: Tumor predisposition; Hereditary neoplastic syndrome; Neoplastic Syndromes, Hereditary; Hereditary Cancer Syndrome. Identifiers: Orphanet 140162, MedGen C0027672, MeSH D009386, MONDO:0015356.
Hereditary breast ovarian cancer syndrome. Also called: Hereditary breast and ovarian cancer; Hereditary breast and/or ovarian cancer syndrome; Hereditary breast and ovarian cancer syndrome; Hereditary breast and ovarian cancer syndrome (HBOC); BRCA1- and BRCA2-Associated Hereditary Breast and Ovarian Cancer; Breast and ovarian cancer. Identifiers: Orphanet 145, MedGen C0677776, MeSH D061325, MONDO:0003582. Disease mechanism: loss of function.

Allele frequency attached by ClinVar (database versions not stated): gnomAD exomes below 0.00001; ExAC 0.00001.
gnomAD v4.1: 1 of 1,613,874 alleles (0.000062%); highest among the groups gnomAD compares: Non-Finnish European, 0.000085%; no homozygotes.

Submissions (2):

Labcorp Genetics (formerly Invitae), Labcorp
Classification: Uncertain significance for Hereditary breast ovarian cancer syndrome. Last evaluated: 2024-02-03. Review status: criteria provided, single submitter. Criteria: Invitae Variant Classification Sherloc (09022015). Collection method: clinical testing. Allele origin: germline.
Comment: This sequence change replaces serine, which is neutral and polar, with asparagine, which is neutral and polar, at codon 1042 of the BRCA1 protein (p.Ser1042Asn). The frequency data for this variant in the population databases is considered unreliable, as metrics indicate poor data quality at this position in the gnomAD database. This variant has not been reported in the literature in individuals affected with BRCA1-related conditions. ClinVar contains an entry for this variant (Variation ID: 952782). Advanced modeling of protein sequence and biophysical properties (such as structural, functional, and spatial information, amino acid conservation, physicochemical variation, residue mobility, and thermodynamic stability) performed at Invitae indicates that this missense variant is not expected to disrupt BRCA1 protein function with a negative predictive value of 95%. In summary, the available evidence is currently insufficient to determine the role of this variant in disease. Therefore, it has been classified as a Variant of Uncertain Significance.

University of Washington Department of Laboratory Medicine, University of Washington
Classification: Likely benign for Hereditary cancer-predisposing syndrome. Last evaluated: 2023-03-23. Review status: criteria provided, single submitter. Criteria: Dines et al. (Genet Med. 2020). Collection method: curation. Allele origin: germline.
Comment: Missense variant in a coldspot region where missense variants are very unlikely to be pathogenic (PMID:31911673).

BRCA1 coldspot (exon 11 using historical exon numbering). Reclassification based on statistical prior probability

NM_007294.4(BRCA1):c.3125G>A (p.Ser1042Asn)

Gene: BRCA1 (BRCA1 DNA repair associated; minus strand). Cytogenetic location: 17q21.31.
Variant type: single nucleotide variant.
Coding change: c.3125G>A on transcript NM_007294.4 (MANE Select); coding-DNA position 3125, G replaced by A.
Protein change: p.Ser1042Asn; replaces serine 1042 with asparagine.
Molecular consequence: missense variant. On other transcripts: intron variant (137).
Genome position (GRCh38, 1-based): chr17:43,092,406, C>T on the plus strand (G>A on the coding strand, the complement: BRCA1 is on the minus strand). VCF-style: chr17-43092406-C-T. GRCh37 (hg19) VCF-style: chr17-41244423-C-T.
Other names: c.2912G>A, p.Ser971Asn (NM_001407571.1, NM_001407853.1, NM_001407894.1 and 9 more transcripts); c.3125G>A, p.Ser1042Asn (NM_001407581.1, NM_001407582.1, NM_001407583.1 and 30 more transcripts); c.3122G>A, p.Ser1041Asn (NM_001407587.1, NM_001407590.1, NM_001407591.1 and 22 more transcripts); c.3116G>A, p.Ser1039Asn (NM_001407646.1, NM_001407647.1); c.3002G>A, p.Ser1001Asn (NM_001407648.1, NM_001407664.1, NM_001407665.1 and 19 more transcripts); c.2999G>A, p.Ser1000Asn (NM_001407649.1, NM_001407670.1, NM_001407671.1 and 11 more transcripts); c.3047G>A, p.Ser1016Asn (NM_001407653.1, NM_001407654.1, NM_001407655.1 and 4 more transcripts); c.3044G>A, p.Ser1015Asn (NM_001407659.1, NM_001407660.1, NM_001407661.1 and 1 more transcripts); and 41 more; short protein forms S1042N, S995N, S1039N, S1041N, S874N, S914N, S953N, S1001N.
Identifiers: ClinVar variation 952782 (VCV000952782.13), dbSNP rs767217821, ClinGen allele CA058108.